The following is an entry in ClinVar:

NM_001378609.3(OTOGL):c.896C>T (p.Thr299Ile)

Gene: OTOGL (otogelin like; plus strand). Cytogenetic location: 12q21.31.
Variant type: single nucleotide variant.
Coding change: c.896C>T on transcript NM_001378609.3 (MANE Select); coding-DNA position 896, C replaced by T.
Protein change: p.Thr299Ile; replaces threonine 299 with isoleucine.
Molecular consequence: missense variant.
Genome position (GRCh38, 1-based): chr12:80,238,929, C>T. VCF-style: chr12-80238929-C-T. GRCh37 (hg19) VCF-style: chr12-80632709-C-T.
Other names: c.896C>T, p.Thr299Ile (NM_001368062.3, NM_001378610.3, NM_173591.7); short protein forms T299I.
Identifiers: ClinVar variation 4129274 (VCV004129274.2).

ClinVar aggregate classification (germline): Uncertain significance. Review status: criteria provided, multiple submitters, no conflicts (2 of 4 stars). 2 submissions from 2 submitters: Uncertain significance (2). Last evaluated 2025-08-23.

Conditions:
Inborn genetic diseases. Identifiers: MedGen C0950123, MeSH D030342.

gnomAD v4.1: 6 of 1,596,234 alleles (0.00038%); highest among the groups gnomAD compares: Non-Finnish European, 0.00034%; no homozygotes.

Submissions (2):

Ambry Genetics
Classification: Uncertain significance for Inborn genetic diseases. Last evaluated: 2025-08-23. Review status: criteria provided, single submitter. Criteria: Ambry Variant Classification Scheme 2023. Collection method: clinical testing. Allele origin: germline.

GeneDx
Classification: Uncertain significance. Last evaluated: 2025-08-11. Review status: criteria provided, single submitter. Criteria: GeneDx Variant Classification Process June 2021. Collection method: clinical testing. Allele origin: germline. Affected: yes.
Comment: Not observed at significant frequency in large population cohorts (gnomAD); In silico analysis supports that this missense variant has a deleterious effect on protein structure/function; Has not been previously published as pathogenic or benign to our knowledge